The following is an entry in ClinVar:

NM_000051.4(ATM):c.2736G>A (p.Gln912=)

Gene: ATM (ATM serine/threonine kinase; plus strand). Cytogenetic location: 11q22.3.
Variant type: single nucleotide variant.
Coding change: c.2736G>A on transcript NM_000051.4 (MANE Select); coding-DNA position 2736, G replaced by A.
Protein change: p.Gln912=; no amino-acid change (glutamine 912 retained).
Molecular consequence: synonymous variant.
Genome position (GRCh38, 1-based): chr11:108,268,507, G>A. VCF-style: chr11-108268507-G-A. GRCh37 (hg19) VCF-style: chr11-108139234-G-A.
Other names: c.2736G>A, p.Gln912= (NM_001351834.2).
Identifiers: ClinVar variation 220929 (VCV000220929.18), dbSNP rs757305928, ClinGen allele CA350241.

ClinVar aggregate classification (germline): Benign/Likely benign. Review status: criteria provided, multiple submitters, no conflicts (2 of 4 stars). 4 submissions from 4 submitters: Benign (1); Likely benign (3). Last evaluated 2025-12-10.

Conditions:
Hereditary cancer-predisposing syndrome. Also called: Tumor predisposition; Hereditary neoplastic syndrome; Neoplastic Syndromes, Hereditary; Hereditary Cancer Syndrome. Identifiers: Orphanet 140162, MedGen C0027672, MeSH D009386, MONDO:0015356.
Familial cancer of breast. Also called: hereditary breast carcinoma; Hereditary breast cancer; BREAST CANCER, FAMILIAL. Identifiers: Orphanet 227535, MedGen C0346153, MONDO:0016419, OMIM 114480. Disease mechanism: loss of function.
Ataxia-telangiectasia syndrome (AT). Also called: Ataxia-telangiectasia, complementation group E; AT, COMPLEMENTATION GROUP C; ATAXIA-TELANGIECTASIA, COMPLEMENTATION GROUP A; ATAXIA-TELANGIECTASIA, FRESNO VARIANT; Ataxia-telangiectasia; LOUIS-BAR SYNDROME. Identifiers: Orphanet 100, MedGen C0004135, MONDO:0008840, OMIM 208900.

Allele frequency attached by ClinVar (database versions not stated): gnomAD exomes below 0.00001; ExAC 0.00001; TOPMed 0.00001; gnomAD 0.00002.

Submissions (4):

Labcorp Genetics (formerly Invitae), Labcorp
Classification: Likely benign for Ataxia-telangiectasia syndrome. Last evaluated: 2025-12-10. Review status: criteria provided, single submitter. Criteria: Invitae Variant Classification Sherloc (09022015). Collection method: clinical testing. Allele origin: germline.

Myriad Genetics, Inc.
Classification: Benign for Familial cancer of breast. Last evaluated: 2024-05-10. Review status: criteria provided, single submitter. Criteria: Myriad Autosomal Dominant, Autosomal Recessive and X-Linked Classification Criteria (2023). Collection method: clinical testing. Allele origin: unknown.
Comment: This variant is considered benign. This variant is a silent/synonymous amino acid change and it is not expected to impact splicing.

Color Diagnostics, LLC DBA Color Health
Classification: Likely benign for Hereditary cancer-predisposing syndrome. Last evaluated: 2023-12-11. Review status: criteria provided, single submitter. Criteria: ACMG Guidelines, 2015. Collection method: clinical testing. Allele origin: germline.

Ambry Genetics
Classification: Likely benign for Hereditary cancer-predisposing syndrome. Last evaluated: 2019-06-12. Review status: criteria provided, single submitter. Criteria: Ambry Variant Classification Scheme 2023. Collection method: clinical testing. Allele origin: germline.